The following is an entry in ClinVar:

NM_000384.3(APOB):c.9311C>T (p.Ala3104Val)

Gene: APOB (apolipoprotein B; minus strand). Cytogenetic location: 2p24.1.
Variant type: single nucleotide variant.
Coding change: c.9311C>T on transcript NM_000384.3 (MANE Select); coding-DNA position 9311, C replaced by T.
Protein change: p.Ala3104Val; replaces alanine 3104 with valine.
Molecular consequence: missense variant.
Genome position (GRCh38, 1-based): chr2:21,007,557, G>A on the plus strand (C>T on the coding strand, the complement: APOB is on the minus strand). VCF-style: chr2-21007557-G-A. GRCh37 (hg19) VCF-style: chr2-21230429-G-A.
Other names: short protein forms A3104V.
Identifiers: ClinVar variation 3307979 (VCV003307979.1).
Genomic context (GRCh38, chr2:21,007,557, plus strand): 5'-TCCAGATTTGCTTCTCCATTTATTCCTACATGGGCCTCCATAATGTTCTCGTTGTTTCCA[G>A]CAGAGAAATTTTGGTTGTACTTATACTGATTGAACCTAGCACTTACTTGCCAACTTGCTT-3'
Protein context (NP_000375.3, residues 3094-3114): NQYKYNQNFS[Ala3104Val]GNNENIMEAH

ClinVar aggregate classification (germline): Uncertain significance (1 of 4 stars; one submission).

Conditions:
Cardiovascular phenotype. Identifiers: MedGen CN230736.

Submission:

Ambry Genetics
Classification: Uncertain significance for Cardiovascular phenotype. Last evaluated: 2024-05-26. Review status: criteria provided, single submitter. Criteria: Ambry Variant Classification Scheme 2023. Collection method: clinical testing. Allele origin: germline.
Comment: The p.A3104V variant (also known as c.9311C>T), located in coding exon 26 of the APOB gene, results from a C to T substitution at nucleotide position 9311. The alanine at codon 3104 is replaced by valine, an amino acid with similar properties. This amino acid position is conserved. In addition, this alteration is predicted to be tolerated by in silico analysis. Based on the available evidence, the clinical significance of this variant remains unclear.